The following is an entry in ClinVar:

NM_014956.5(CEP164):c.2494-5T>C

Gene: CEP164 (centrosomal protein 164; plus strand). Cytogenetic location: 11q23.3.
Variant type: single nucleotide variant.
Coding change: c.2494-5T>C on transcript NM_014956.5 (MANE Select); 5 bases into the intron before coding-DNA position 2494, T replaced by C.
Molecular consequence: intron variant.
Genome position (GRCh38, 1-based): chr11:117,392,999, T>C. VCF-style: chr11-117392999-T-C. GRCh37 (hg19) VCF-style: chr11-117263715-T-C.
Other names: c.2356-5T>C (NM_001440967.1, NM_001440961.1); c.2407-5T>C (NM_001440956.1, NM_001440957.1); c.2494-5T>C (NM_001440950.1, NM_001440953.1, NM_001440951.1); c.2347-5T>C (NM_001440962.1, NM_001440970.1, NM_001440964.1 and 4 more transcripts); c.2137-5T>C (NM_001440990.1, NM_001440984.1); c.2329-5T>C (NM_001440952.1, NM_001440968.1, NM_001440969.1); c.2119-5T>C (NM_001440987.1); c.2416-5T>C (NM_001440954.1, NM_001440958.1, NM_001440955.1 and 1 more transcripts); and 7 more.
Identifiers: ClinVar variation 4994536 (VCV004994536.1).

ClinVar aggregate classification (germline): Uncertain significance (1 of 4 stars; one submission).

Conditions:
CEP164-related disorder. Also called: CEP164-related condition.

gnomAD v4.1: 1 of 1,612,806 alleles (0.000062%); no homozygotes.

Submission:

PreventionGenetics, part of Exact Sciences
Classification: Uncertain significance for CEP164-related condition. Last evaluated: 2025-10-08. Review status: criteria provided, single submitter. Criteria: ACMG Guidelines, 2015. Collection method: clinical testing. Allele origin: germline.
Comment: The CEP164 c.2494-5T>C variant is predicted to interfere with splicing. To our knowledge, this variant has not been reported in the literature or in a large population database (gnomAD), indicating this variant is rare. At this time, the clinical significance of this variant is uncertain due to the absence of conclusive functional and genetic evidence.